The following is an entry in ClinVar:

ClinVar aggregate classification (germline): Uncertain significance (1 of 4 stars; one submission).

Submission:

Labcorp Genetics (formerly Invitae), Labcorp
Classification: Uncertain significance. Last evaluated: 2023-08-04. Review status: criteria provided, single submitter. Criteria: Invitae Variant Classification Sherloc (09022015). Collection method: clinical testing. Allele origin: germline.
Comment: In summary, the available evidence is currently insufficient to determine the role of this variant in disease. Therefore, it has been classified as a Variant of Uncertain Significance. Advanced modeling of protein sequence and biophysical properties (such as structural, functional, and spatial information, amino acid conservation, physicochemical variation, residue mobility, and thermodynamic stability) performed at Invitae indicates that this missense variant is not expected to disrupt PDE6A protein function. ClinVar contains an entry for this variant (Variation ID: 935037). This variant has not been reported in the literature in individuals affected with PDE6A-related conditions. This variant is not present in population databases (gnomAD no frequency). This sequence change replaces isoleucine, which is neutral and non-polar, with phenylalanine, which is neutral and non-polar, at codon 802 of the PDE6A protein (p.Ile802Phe).

NM_000440.3(PDE6A):c.2404A>T (p.Ile802Phe)

Gene: PDE6A (phosphodiesterase 6A; minus strand). Cytogenetic location: 5q32.
Variant type: single nucleotide variant.
Coding change: c.2404A>T on transcript NM_000440.3 (MANE Select); coding-DNA position 2404, A replaced by T.
Protein change: p.Ile802Phe; replaces isoleucine 802 with phenylalanine.
Molecular consequence: missense variant.
Genome position (GRCh38, 1-based): chr5:149,863,221, T>A on the plus strand (A>T on the coding strand, the complement: PDE6A is on the minus strand). VCF-style: chr5-149863221-T-A. GRCh37 (hg19) VCF-style: chr5-149242784-T-A.
Other names: short protein forms I802F.
Identifiers: ClinVar variation 935037 (VCV000935037.9), dbSNP rs1760206848, ClinGen allele CA361709263.